The following is an entry in ClinVar:

NM_001034850.3(RETREG1):c.458+3A>G

Gene: RETREG1 (reticulophagy regulator 1; minus strand). Cytogenetic location: 5p15.1.
Variant type: single nucleotide variant.
Coding change: c.458+3A>G on transcript NM_001034850.3 (MANE Select); 3 bases into the intron after coding-DNA position 458, A replaced by G.
Molecular consequence: intron variant.
Genome position (GRCh38, 1-based): chr5:16,565,760, T>C on the plus strand (A>G on the coding strand, the complement: RETREG1 is on the minus strand). VCF-style: chr5-16565760-T-C. GRCh37 (hg19) VCF-style: chr5-16565869-T-C.
Identifiers: ClinVar variation 2315370 (VCV002315370.2), dbSNP rs1353801192, ClinGen allele CA558080575.

ClinVar aggregate classification (germline): Uncertain significance (1 of 4 stars; one submission).

Conditions:
Inborn genetic diseases. Identifiers: MedGen C0950123, MeSH D030342.

Allele frequency attached by ClinVar (database versions not stated): gnomAD 0.00001; TOPMed 0.00001; gnomAD exomes 0.00002.
gnomAD v4.1: 31 of 1,613,838 alleles (0.0019%); highest among the groups gnomAD compares: Non-Finnish European, 0.0025%; no homozygotes.

Submission:

Ambry Genetics
Classification: Uncertain significance for Inborn genetic diseases. Last evaluated: 2022-10-20. Review status: criteria provided, single submitter. Criteria: Ambry Variant Classification Scheme 2023. Collection method: clinical testing. Allele origin: germline.
Comment: The c.458+3A>G intronic alteration consists of a A to G substitution 3 nucleotides after exon 3 of the FAM134B gene. Based on insufficient or conflicting evidence, the clinical significance of this alteration remains unclear.